The following is an entry in ClinVar:

NM_182961.4(SYNE1):c.11840C>T (p.Ala3947Val)

Gene: SYNE1 (spectrin repeat containing nuclear envelope protein 1; minus strand). Cytogenetic location: 6q25.2.
Variant type: single nucleotide variant.
Coding change: c.11840C>T on transcript NM_182961.4 (MANE Select); coding-DNA position 11840, C replaced by T.
Protein change: p.Ala3947Val; replaces alanine 3947 with valine.
Molecular consequence: missense variant. On other transcripts: intron variant (1).
Genome position (GRCh38, 1-based): chr6:152,350,229, G>A on the plus strand (C>T on the coding strand, the complement: SYNE1 is on the minus strand). VCF-style: chr6-152350229-G-A. GRCh37 (hg19) VCF-style: chr6-152671364-G-A.
Other names: c.11688+389C>T (NM_033071.5); short protein forms A3947V.
Identifiers: ClinVar variation 3571910 (VCV003571910.1).

ClinVar aggregate classification (germline): Uncertain significance (1 of 4 stars; one submission).

gnomAD v4.1: 14 of 1,613,982 alleles (0.00087%); highest among the groups gnomAD compares: South Asian, 0.0033%; no homozygotes.

Submission:

Athena Diagnostics
Classification: Uncertain significance. Last evaluated: 2023-12-06. Review status: criteria provided, single submitter. Criteria: Athena Diagnostics Criteria. Collection method: clinical testing. Allele origin: unknown.
Comment: Available data are insufficient to determine the clinical significance of the variant at this time. The frequency of this variant in the general population is uninformative in assessment of its pathogenicity. Computational tools predict that this variant is not damaging.